The following is an entry in ClinVar:

NM_001039.4(SCNN1G):c.*572A>G

Gene: SCNN1G (sodium channel epithelial 1 subunit gamma; plus strand). Cytogenetic location: 16p12.2.
Variant type: single nucleotide variant.
Coding change: c.*572A>G on transcript NM_001039.4 (MANE Select); 572 bases downstream of the stop codon, A replaced by G.
Molecular consequence: 3 prime UTR variant.
Genome position (GRCh38, 1-based): chr16:23,216,041, A>G. VCF-style: chr16-23216041-A-G. GRCh37 (hg19) VCF-style: chr16-23227362-A-G.
Identifiers: ClinVar variation 318367 (VCV000318367.7), dbSNP rs5728, ClinGen allele CA10643194.

ClinVar aggregate classification (germline): Benign. Review status: criteria provided, multiple submitters, no conflicts (2 of 4 stars). 4 submissions from 3 submitters: Benign (4). Last evaluated 2021-05-14.

Conditions:
Liddle syndrome 2. Identifiers: MedGen C4748251, MONDO:0020854, OMIM 618114.
Pseudohypoaldosteronism, type IB1, autosomal recessive. Also called: Pseudohypoaldosteronism, Type I, Autosomal Recessive; PHA I, AUTOSOMAL RECESSIVE; Pseudohypoaldosteronism, Type I, Recessive; Autosomal recessive pseudohypoaldosteronism type 1. Identifiers: Orphanet 171876, Orphanet 756, MedGen C5774176, MONDO:0009917, OMIM 264350.

Allele frequency attached by ClinVar (database versions not stated): 1000 Genomes Project 30x 0.33854; 1000 Genomes Project 0.33946; gnomAD exomes 0.38807; gnomAD 0.41132 and 0.41693; TOPMed 0.41147.
gnomAD v4.1: 71,235 of 174,056 alleles (41%); highest among the groups gnomAD compares: Non-Finnish European, 44%; 14,991 homozygotes.

Submissions (4):

GeneDx
Classification: Benign. Last evaluated: 2021-05-14. Review status: criteria provided, single submitter. Criteria: GeneDx Variant Classification Process June 2021. Collection method: clinical testing. Allele origin: germline. Affected: yes.

Illumina Laboratory Services, Illumina
Classification: Benign for Pseudohypoaldosteronism, type IB1, autosomal recessive. Last evaluated: 2017-04-27. Review status: criteria provided, single submitter. Criteria: ICSL Variant Classification Criteria 13 December 2019. Collection method: clinical testing. Allele origin: germline.
Comment: This variant was observed as part of a predisposition screen in an ostensibly healthy population. A literature search was performed for the gene, cDNA change, and amino acid change (where applicable). No publications were found based on this search. Allele frequency data from public databases was too high to be consistent with this variant causing disease. Therefore, this variant is classified as benign.

Illumina Laboratory Services, Illumina
Classification: Benign for Liddle syndrome 2. Last evaluated: 2017-04-27. Review status: criteria provided, single submitter. Criteria: ICSL Variant Classification Criteria 13 December 2019. Collection method: clinical testing. Allele origin: germline.
Comment: the same text as in the submission from Illumina Laboratory Services, Illumina above.

Breakthrough Genomics
Classification: Benign. Review status: criteria provided, single submitter. Criteria: ACMG Guidelines, 2015. Collection method: not provided. Allele origin: germline. Inheritance: Autosomal dominant inheritance. Affected: yes.